The following is an entry in ClinVar:

NM_000553.6(WRN):c.2328G>A (p.Met776Ile)

Gene: WRN (WRN RecQ like helicase; plus strand). Cytogenetic location: 8p12.
Variant type: single nucleotide variant.
Coding change: c.2328G>A on transcript NM_000553.6 (MANE Select); coding-DNA position 2328, G replaced by A.
Protein change: p.Met776Ile; replaces methionine 776 with isoleucine.
Molecular consequence: missense variant.
Genome position (GRCh38, 1-based): chr8:31,116,408, G>A. VCF-style: chr8-31116408-G-A. GRCh37 (hg19) VCF-style: chr8-30973924-G-A.
Other names: short protein forms M776I.
Identifiers: ClinVar variation 855771 (VCV000855771.9), dbSNP rs555281600, ClinGen allele CA4704721.

ClinVar aggregate classification (germline): Uncertain significance. Review status: criteria provided, multiple submitters, no conflicts (2 of 4 stars). 3 submissions from 3 submitters: Uncertain significance (2). 1 of the submissions does not count toward it. Last evaluated 2024-02-19.

Conditions:
Inborn genetic diseases. Identifiers: MedGen C0950123, MeSH D030342.
WRN-related disorder. Also called: WRN-related condition.
Werner syndrome (WRN). Identifiers: Orphanet 902, MedGen C0043119, MONDO:0010196, OMIM 277700.

Allele frequency attached by ClinVar (database versions not stated): gnomAD exomes 0.00001; TOPMed 0.00001.
gnomAD v4.1: 7 of 1,613,974 alleles (0.00043%); highest among the groups gnomAD compares: Non-Finnish European, 0.00059%; no homozygotes.

Submissions (3):

Labcorp Genetics (formerly Invitae), Labcorp
Classification: Uncertain significance for Werner syndrome. Last evaluated: 2024-02-19. Review status: criteria provided, single submitter. Criteria: Invitae Variant Classification Sherloc (09022015). Collection method: clinical testing. Allele origin: germline.
Comment: This sequence change replaces methionine with isoleucine at codon 776 of the WRN protein (p.Met776Ile). The methionine residue is weakly conserved and there is a small physicochemical difference between methionine and isoleucine. This variant is present in population databases (rs555281600, gnomAD 0.002%). This variant has not been reported in the literature in individuals affected with WRN-related conditions. ClinVar contains an entry for this variant (Variation ID: 855771). Algorithms developed to predict the effect of missense changes on protein structure and function output the following: SIFT: "Not Available"; PolyPhen-2: "Benign"; Align-GVGD: "Not Available". The isoleucine amino acid residue is found in multiple mammalian species, which suggests that this missense change does not adversely affect protein function. In summary, the available evidence is currently insufficient to determine the role of this variant in disease. Therefore, it has been classified as a Variant of Uncertain Significance.

Ambry Genetics
Classification: Uncertain significance for Inborn genetic diseases. Last evaluated: 2023-06-06. Review status: criteria provided, single submitter. Criteria: Ambry Variant Classification Scheme 2023. Collection method: clinical testing. Allele origin: germline.

PreventionGenetics, part of Exact Sciences
Classification: Uncertain significance for WRN-related condition. Last evaluated: 2024-07-26. Review status: no assertion criteria provided. Collection method: clinical testing. Allele origin: germline. Not counted in ClinVar's aggregate classification.
Comment: The WRN c.2328G>A variant is predicted to result in the amino acid substitution p.Met776Ile. To our knowledge, this variant has not been reported in the literature. This variant is reported in 0.0018% of alleles in individuals of European (Non-Finnish) descent in gnomAD. At this time, the clinical significance of this variant is uncertain due to the absence of conclusive functional and genetic evidence.